The following is an entry in ClinVar:

NM_020778.4:c.270C>A

Gene: ALPK3 (alpha kinase 3; plus strand).
Variant type: single nucleotide variant.
Other names: p.Asp90Glu.
Identifiers: ClinVar variation 4541972 (VCV004541972.1).

ClinVar aggregate classification (germline): Uncertain significance (1 of 4 stars; one submission).

Submission:

Mayo Clinic Laboratories, Mayo Clinic
Classification: Uncertain significance. Last evaluated: 2025-03-27. Review status: criteria provided, single submitter. Criteria: ACMG Guidelines, 2015. Collection method: clinical testing. Allele origin: germline. Observed: 1 variant allele.
Comment: BP4_strong, PM2_supporting